The following is an entry in ClinVar:

NM_003680.4(YARS1):c.564G>C (p.Gln188His)

Gene: YARS1 (tyrosyl-tRNA synthetase 1; minus strand). Cytogenetic location: 1p35.1.
Variant type: single nucleotide variant.
Coding change: c.564G>C on transcript NM_003680.4 (MANE Select); coding-DNA position 564, G replaced by C.
Protein change: p.Gln188His; replaces glutamine 188 with histidine.
Molecular consequence: missense variant.
Genome position (GRCh38, 1-based): chr1:32,797,790, C>G on the plus strand (G>C on the coding strand, the complement: YARS1 is on the minus strand). VCF-style: chr1-32797790-C-G. GRCh37 (hg19) VCF-style: chr1-33263391-C-G.
Other names: short protein forms Q188H.
Identifiers: ClinVar variation 2299521 (VCV002299521.9), dbSNP rs1264241115, ClinGen allele CA339686555.

ClinVar aggregate classification (germline): Uncertain significance. Review status: criteria provided, multiple submitters, no conflicts (2 of 4 stars). 3 submissions from 3 submitters: Uncertain significance (3). Last evaluated 2025-10-01.

Conditions:
Inborn genetic diseases. Identifiers: MedGen C0950123, MeSH D030342.
Charcot-Marie-Tooth disease dominant intermediate C (CMTDIC). Also called: CHARCOT-MARIE-TOOTH NEUROPATHY, DOMINANT INTERMEDIATE C. Identifiers: Orphanet 100045, MedGen C1842237, MONDO:0012012, OMIM 608323.

Allele frequency attached by ClinVar (database versions not stated): gnomAD exomes below 0.00001; TOPMed below 0.00001.
gnomAD v4.1: 2 of 1,614,196 alleles (0.00012%); highest among the groups gnomAD compares: Admixed American, 0.0017%; no homozygotes.

Submissions (3):

Labcorp Genetics (formerly Invitae), Labcorp
Classification: Uncertain significance for Charcot-Marie-Tooth disease dominant intermediate C. Last evaluated: 2025-10-01. Review status: criteria provided, single submitter. Criteria: Invitae Variant Classification Sherloc (09022015). Collection method: clinical testing. Allele origin: germline.
Comment: This sequence change replaces glutamine, which is neutral and polar, with histidine, which is basic and polar, at codon 188 of the YARS protein (p.Gln188His). This variant is present in population databases (no rsID available, gnomAD 0.003%). This variant has not been reported in the literature in individuals affected with YARS-related conditions. ClinVar contains an entry for this variant (Variation ID: 2299521). Invitae Evidence Modeling of protein sequence and biophysical properties (such as structural, functional, and spatial information, amino acid conservation, physicochemical variation, residue mobility, and thermodynamic stability) indicates that this missense variant is expected to disrupt YARS protein function with a positive predictive value of 80%. In summary, the available evidence is currently insufficient to determine the role of this variant in disease. Therefore, it has been classified as a Variant of Uncertain Significance.

Ambry Genetics
Classification: Uncertain significance for Inborn genetic diseases. Last evaluated: 2024-08-07. Review status: criteria provided, single submitter. Criteria: Ambry Variant Classification Scheme 2023. Collection method: clinical testing. Allele origin: germline.

Revvity Omics, Revvity
Classification: Uncertain significance. Last evaluated: 2023-12-26. Review status: criteria provided, single submitter. Criteria: ACMG Guidelines, 2015. Collection method: clinical testing. Allele origin: germline.